The following is an entry in ClinVar:

ClinVar aggregate classification (germline): Uncertain significance. Review status: criteria provided, multiple submitters, no conflicts (2 of 4 stars). 6 submissions from 6 submitters: Uncertain significance (6). Last evaluated 2026-09-01.

Conditions:
Piebaldism. Also called: Piebald skin depigmentation. Identifiers: Orphanet 2884, MedGen C0080024, MONDO:0008244, OMIM 172800, HP:0007544.
Gastrointestinal stromal tumor. Also called: Gastrointestinal stromal tumor, somatic; Gastrointestinal stroma tumor. Identifiers: Orphanet 44890, MedGen C0238198, MeSH D046152, MONDO:0011719, OMIM 606764, HP:0100723.
Germ cell tumor of testis (TGCT). Also called: GERM CELL TUMOR, SOMATIC; Testicular germ cell tumor. Identifiers: Orphanet 363504, MedGen C1336708, MONDO:0010108, OMIM 273300.
Acute myeloid leukemia (AML). Also called: Acute myeloid leukemia, adult; AML adult; Acute non-lymphocytic leukemia; Acute granulocytic leukemia; Leukemia, acute myeloid, somatic; Leukemia, acute myelogenous, somatic. Identifiers: Orphanet 519, MedGen C0023467, MeSH D015470, MONDO:0018874, OMIM 601626, HP:0004808. Disease mechanism: Constitutively activated FLT3.
Cutaneous mastocytosis. Also called: MASTOCYTOSIS, MACULOPAPULAR CUTANEOUS. Identifiers: Orphanet 66646, MedGen C1136033, MONDO:0019023, OMIM 154800, HP:0200151.
KIT-related disorder. Also called: KIT-related condition.
Hereditary cancer-predisposing syndrome. Also called: Hereditary Cancer Syndrome; Neoplastic Syndromes, Hereditary; Tumor predisposition; Hereditary neoplastic syndrome. Identifiers: Orphanet 140162, MedGen C0027672, MeSH D009386, MONDO:0015356.

Allele frequency attached by ClinVar (database versions not stated): gnomAD exomes below 0.00001.
gnomAD v4.1: 2 of 1,613,360 alleles (0.00012%); highest among the groups gnomAD compares: East Asian, 0.0022%; no homozygotes.

Submissions (6):

PreventionGenetics, part of Exact Sciences
Classification: Uncertain significance for KIT-related condition. Last evaluated: 2026-09-01. Review status: criteria provided, single submitter. Criteria: ACMG Guidelines, 2015. Collection method: clinical testing. Allele origin: germline.
Comment: The KIT c.2164A>G variant is predicted to result in the amino acid substitution p.Met722Val. To our knowledge, this variant has not been reported in the literature. It is reported in 0.0054% of alleles in individuals of East Asian descent in gnomAD and is classified as uncertain in ClinVar (Variation ID: 857780). At this time, the clinical significance of this variant is uncertain due to the absence of conclusive functional and genetic evidence.

Labcorp Genetics (formerly Invitae), Labcorp
Classification: Uncertain significance for Gastrointestinal stromal tumor. Last evaluated: 2026-01-10. Review status: criteria provided, single submitter. Criteria: Invitae Variant Classification Sherloc (09022015). Collection method: clinical testing. Allele origin: germline.
Comment: This sequence change replaces methionine, which is neutral and non-polar, with valine, which is neutral and non-polar, at codon 722 of the KIT protein (p.Met722Val). This variant is present in population databases (no rsID available, gnomAD 0.006%). This variant has not been reported in the literature in individuals affected with KIT-related conditions. ClinVar contains an entry for this variant (Variation ID: 857780). An algorithm developed to predict the effect of missense changes on protein structure and function (PolyPhen-2) suggests that this variant is likely to be disruptive. In summary, the available evidence is currently insufficient to determine the role of this variant in disease. Therefore, it has been classified as a Variant of Uncertain Significance.

Ambry Genetics
Classification: Uncertain significance for Hereditary cancer-predisposing syndrome. Last evaluated: 2024-12-31. Review status: criteria provided, single submitter. Criteria: Ambry Variant Classification Scheme 2023. Collection method: clinical testing. Allele origin: germline.
Comment: The p.M722V variant (also known as c.2164A>G), located in coding exon 15 of the KIT gene, results from an A to G substitution at nucleotide position 2164. The methionine at codon 722 is replaced by valine, an amino acid with highly similar properties. This amino acid position is highly conserved in available vertebrate species. In addition, this alteration is predicted to be deleterious by in silico analysis. Based on the available evidence, the clinical significance of this variant remains unclear.

CeGaT Center for Human Genetics Tuebingen
Classification: Uncertain significance. Last evaluated: 2024-07-01. Review status: criteria provided, single submitter. Criteria: CeGaT Center For Human Genetics Tuebingen Variant Classification Criteria Version 2. Collection method: clinical testing. Allele origin: germline. Affected: yes. Observed: 1 variant allele.
Comment: KIT: PM2, BP4

Fulgent Genetics
Classification: Uncertain significance for Cutaneous mastocytosis; Piebaldism; Germ cell tumor of testis; Acute myeloid leukemia; Gastrointestinal stromal tumor. Last evaluated: 2024-02-16. Review status: criteria provided, single submitter. Criteria: ACMG Guidelines, 2015. Collection method: clinical testing. Allele origin: germline.

Baylor Genetics
Classification: Uncertain significance for Gastrointestinal stromal tumor. Last evaluated: 2024-01-24. Review status: criteria provided, single submitter. Criteria: ACMG Guidelines, 2015. Collection method: clinical testing. Allele origin: unknown.

NM_000222.3(KIT):c.2164A>G (p.Met722Val)

Gene: KIT (KIT proto-oncogene, receptor tyrosine kinase; plus strand). Cytogenetic location: 4q12.
Variant type: single nucleotide variant.
Coding change: c.2164A>G on transcript NM_000222.3 (MANE Select); coding-DNA position 2164, A replaced by G.
Protein change: p.Met722Val; replaces methionine 722 with valine.
Molecular consequence: missense variant.
Genome position (GRCh38, 1-based): chr4:54,731,350, A>G. VCF-style: chr4-54731350-A-G. GRCh37 (hg19) VCF-style: chr4-55597516-A-G.
Other names: c.2152A>G, p.Met718Val (NM_001093772.2, NM_001385292.1); c.2167A>G, p.Met723Val (NM_001385284.1); c.2161A>G, p.Met721Val (NM_001385285.1); c.2149A>G, p.Met717Val (NM_001385286.1); c.2155A>G, p.Met719Val (NM_001385288.1); c.2164A>G, p.Met722Val (NM_001385290.1); short protein forms M722V, M718V, M717V, M719V, M721V, M723V.
Identifiers: ClinVar variation 857780 (VCV000857780.29), dbSNP rs1255211227, ClinGen allele CA356910165.